The following is an entry in ClinVar:

NM_198578.4(LRRK2):c.793A>G (p.Arg265Gly)

Gene: LRRK2 (leucine rich repeat kinase 2; plus strand). Cytogenetic location: 12q12.
Variant type: single nucleotide variant.
Coding change: c.793A>G on transcript NM_198578.4 (MANE Select); coding-DNA position 793, A replaced by G.
Protein change: p.Arg265Gly; replaces arginine 265 with glycine.
Molecular consequence: missense variant.
Genome position (GRCh38, 1-based): chr12:40,243,636, A>G. VCF-style: chr12-40243636-A-G. GRCh37 (hg19) VCF-style: chr12-40637438-A-G.
Other names: short protein forms R265G.
Identifiers: ClinVar variation 2562437 (VCV002562437.2), dbSNP rs2499456106, ClinGen allele CA384405983.

ClinVar aggregate classification (germline): Uncertain significance (1 of 4 stars; one submission).

Conditions:
Inborn genetic diseases. Identifiers: MedGen C0950123, MeSH D030342.

Allele frequency attached by ClinVar (database versions not stated): gnomAD exomes below 0.00001.
gnomAD v4.1: 1 of 1,612,190 alleles (0.000062%); highest among the groups gnomAD compares: South Asian, 0.0011%; no homozygotes.

Submission:

Ambry Genetics
Classification: Uncertain significance for Inborn genetic diseases. Last evaluated: 2023-04-29. Review status: criteria provided, single submitter. Criteria: Ambry Variant Classification Scheme 2023. Collection method: clinical testing. Allele origin: germline.
Comment: The p.R265G variant (also known as c.793A>G), located in coding exon 7 of the LRRK2 gene, results from an A to G substitution at nucleotide position 793. The arginine at codon 265 is replaced by glycine, an amino acid with dissimilar properties. This amino acid position is conserved. In addition, this alteration is predicted to be tolerated by in silico analysis. Since supporting evidence is limited at this time, the clinical significance of this alteration remains unclear.